The following is an entry in ClinVar:

ClinVar aggregate classification (germline): Pathogenic (1 of 4 stars; one submission).

Conditions:
Lynch syndrome 5 (LYNCH5). Also called: Colorectal cancer, hereditary nonpolyposis, type 5; Hereditary non-polyposis colorectal cancer, type 5. Identifiers: Orphanet 144, MedGen C1833477, MONDO:0013710, OMIM 614350. Disease mechanism: loss of function.

Submission:

Myriad Genetics, Inc.
Classification: Pathogenic for Lynch syndrome 5. Last evaluated: 2023-08-10. Review status: criteria provided, single submitter. Criteria: Myriad Autosomal Dominant, Autosomal Recessive and X-Linked Classification Criteria (2023). Collection method: clinical testing. Allele origin: unknown.
Comment: This variant is considered pathogenic. This variant creates a frameshift predicted to result in premature protein truncation.

NM_000179.3(MSH6):c.485dup (p.Gly163fs)

Gene: MSH6 (mutS homolog 6; plus strand). Cytogenetic location: 2p16.3.
Variant type: Duplication.
Coding change: c.485dup on transcript NM_000179.3 (MANE Select); coding-DNA position 485, one base duplicated (G; older notation c.485dupG).
Protein change: p.Gly163fs; shifts the reading frame from glycine 163.
Molecular consequence: frameshift variant. On other transcripts: 5 prime UTR variant (5), non-coding transcript variant (5), intron variant (8).
Genome position (GRCh38, 1-based): chr2:47,795,921, G duplicated; the last of 3 consecutive G bases (chr2:47,795,919-47,795,921); duplicating any one gives the same sequence. VCF-style (leftmost placement, unchanged base first): chr2-47795918-A-AG. GRCh37 (hg19) VCF-style: chr2-48023057-A-AG.
Other names: c.-418dup (NM_001281494.2); c.581dup, p.Gly195fs (NM_001406795.1, NM_001406802.1); c.485dup, p.Gly163fs (NM_001406796.1, NM_001406798.1, NM_001406800.1 and 5 more transcripts); c.188dup, p.Gly64fs (NM_001406797.1, NM_001406801.1, NM_001406805.1 and 10 more transcripts); c.-41dup (NM_001406799.1, NM_001406806.1, NM_001406807.1); c.407dup, p.Gly137fs (NM_001406804.1); c.491dup, p.Gly165fs (NM_001406813.1); c.-510dup (NM_001406814.1); and 3 more; short protein forms G107fs, G137fs, G163fs, G165fs, G195fs, G64fs.
Identifiers: ClinVar variation 2673716 (VCV002673716.1), dbSNP rs2104229850, ClinGen allele CA2695200230.